The following is an entry in ClinVar:

NM_031414.5(STK31):c.9C>A (p.Val3=)

Gene: STK31 (serine/threonine kinase 31; plus strand). Cytogenetic location: 7p15.3.
Variant type: single nucleotide variant.
Coding change: c.9C>A on transcript NM_031414.5 (MANE Select); coding-DNA position 9, C replaced by A.
Protein change: p.Val3=; no amino-acid change (valine 3 retained).
Molecular consequence: synonymous variant. On other transcripts: 5 prime UTR variant (2), non-coding transcript variant (1).
Genome position (GRCh38, 1-based): chr7:23,710,294, C>A. VCF-style: chr7-23710294-C-A. GRCh37 (hg19) VCF-style: chr7-23749913-C-A.
Other names: c.-496C>A (NM_001260504.2); c.9C>A, p.Val3= (NM_001260505.2); c.-464C>A (NM_032944.4).
Identifiers: ClinVar variation 2657351 (VCV002657351.24), dbSNP rs1276273785, ClinGen allele CA454015843.

ClinVar aggregate classification (germline): Likely benign (1 of 4 stars; one submission).

gnomAD v4.1: 1 of 1,612,192 alleles (0.000062%); highest among the groups gnomAD compares: Non-Finnish European, 0.000085%; no homozygotes.

Submission:

CeGaT Center for Human Genetics Tuebingen
Classification: Likely benign. Last evaluated: 2023-01-01. Review status: criteria provided, single submitter. Criteria: CeGaT Center For Human Genetics Tuebingen Variant Classification Criteria Version 2. Collection method: clinical testing. Allele origin: germline. Affected: yes. Observed: 1 variant allele.
Comment: STK31: PM2:Supporting, BP4, BP7